The following is an entry in ClinVar:

ClinVar aggregate classification (germline): Likely pathogenic (1 of 4 stars; one submission).

Conditions:
Cone-rod dystrophy 6 (CORD6). Also called: Cone dystrophy progressive; RETINAL CONE DYSTROPHY 2. Identifiers: Orphanet 1872, MedGen C1866293, MONDO:0011143, OMIM 601777.
Leber congenital amaurosis 1 (LCA1). Also called: AMAUROSIS CONGENITA OF LEBER I; Congenital absence of the rods and cones; Leber's congenital tapetoretinal degeneration; Leber's congenital tapetoretinal dysplasia; RETINAL BLINDNESS, CONGENITAL. Identifiers: Orphanet 65, MedGen C2931258, MONDO:0008764, OMIM 204000.

Submission:

Labcorp Genetics (formerly Invitae), Labcorp
Classification: Likely pathogenic for Leber congenital amaurosis 1; Cone-rod dystrophy 6. Last evaluated: 2024-01-19. Review status: criteria provided, single submitter. Criteria: Invitae Variant Classification Sherloc (09022015). Collection method: clinical testing. Allele origin: germline.
Comment: This sequence change affects a donor splice site in intron 14 of the GUCY2D gene. It is expected to disrupt RNA splicing. Variants that disrupt the donor or acceptor splice site typically lead to a loss of protein function (PMID: 16199547), and loss-of-function variants in GUCY2D are known to be pathogenic (PMID: 10951519, 11328726). This variant is not present in population databases (gnomAD no frequency). This variant has not been reported in the literature in individuals affected with GUCY2D-related conditions. Algorithms developed to predict the effect of sequence changes on RNA splicing suggest that this variant may disrupt the consensus splice site. In summary, the currently available evidence indicates that the variant is pathogenic, but additional data are needed to prove that conclusively. Therefore, this variant has been classified as Likely Pathogenic.

Literature cited by the submitters: PubMed 16199547; PubMed 10951519; PubMed 11328726.

NM_000180.4(GUCY2D):c.2769+1G>A

Gene: GUCY2D (guanylate cyclase 2D, retinal; plus strand). Cytogenetic location: 17p13.1.
Variant type: single nucleotide variant.
Coding change: c.2769+1G>A on transcript NM_000180.4 (MANE Select); the canonical splice donor site of the intron after coding-DNA position 2769, G replaced by A.
Molecular consequence: splice donor variant.
Genome position (GRCh38, 1-based): chr17:8,015,052, G>A. VCF-style: chr17-8015052-G-A. GRCh37 (hg19) VCF-style: chr17-7918370-G-A.
Identifiers: ClinVar variation 2922312 (VCV002922312.3), dbSNP rs2545426444, ClinGen allele CA397954285.
Genomic context (GRCh38, chr17:8,015,052, plus strand): 5'-CTGCTCAACGATCTCTACACACTCTTTGATGCCATCATTGGTTCCCACGATGTCTACAAG[G>A]TGCAGTGTGTAGGGGACAAGCCCTCCTGACCTTCAATTCAGCTTCACCAGCCTCCAGCCC-3'